The following is an entry in ClinVar:

ClinVar aggregate classification (germline): Uncertain significance. Review status: criteria provided, multiple submitters, no conflicts (2 of 4 stars). 2 submissions from 2 submitters: Uncertain significance (2). Last evaluated 2024-06-06.

Allele frequency attached by ClinVar (database versions not stated): gnomAD exomes below 0.00001; gnomAD 0.00001; TOPMed 0.00004.
gnomAD v4.1: 5 of 1,613,796 alleles (0.00031%); highest among the groups gnomAD compares: African/African-American, 0.0053%; no homozygotes.

Submissions (2):

Labcorp Genetics (formerly Invitae), Labcorp
Classification: Uncertain significance. Last evaluated: 2024-06-06. Review status: criteria provided, single submitter. Criteria: Invitae Variant Classification Sherloc (09022015). Collection method: clinical testing. Allele origin: germline.
Comment: This sequence change replaces glycine, which is neutral and non-polar, with serine, which is neutral and polar, at codon 1923 of the VCAN protein (p.Gly1923Ser). This variant is present in population databases (no rsID available, gnomAD 0.008%). This variant has not been reported in the literature in individuals affected with VCAN-related conditions. ClinVar contains an entry for this variant (Variation ID: 1047515). An algorithm developed to predict the effect of missense changes on protein structure and function (PolyPhen-2) suggests that this variant is likely to be disruptive. In summary, the available evidence is currently insufficient to determine the role of this variant in disease. Therefore, it has been classified as a Variant of Uncertain Significance.

Blueprint Genetics
Classification: Uncertain significance. Last evaluated: 2024-01-19. Review status: criteria provided, single submitter. Criteria: ACMG Guidelines, 2015. Collection method: clinical testing. Allele origin: germline.

NM_004385.5(VCAN):c.5767G>A (p.Gly1923Ser)

Genes: VCAN (versican; plus strand), VCAN-AS1 (VCAN antisense RNA 1; minus strand). Cytogenetic location: 5q14.3.
Variant type: single nucleotide variant.
Coding change: c.5767G>A on transcript NM_004385.5 (MANE Select); coding-DNA position 5767, G replaced by A.
Protein change: p.Gly1923Ser; replaces glycine 1923 with serine.
Molecular consequence: missense variant. On other transcripts: intron variant (2).
Genome position (GRCh38, 1-based): chr5:83,538,770, G>A. VCF-style: chr5-83538770-G-A. GRCh37 (hg19) VCF-style: chr5-82834589-G-A.
Other names: c.2806G>A, p.Gly936Ser (NM_001164097.2); c.4004-6767G>A (NM_001164098.2); c.1043-6767G>A (NM_001126336.3); short protein forms G936S, G1923S.
Identifiers: ClinVar variation 1047515 (VCV001047515.9), dbSNP rs1302955879, ClinGen allele CA360311106.